The following is an entry in ClinVar:

NM_177924.5(ASAH1):c.766G>A (p.Val256Ile)

Gene: ASAH1 (N-acylsphingosine amidohydrolase 1; minus strand). Cytogenetic location: 8p22.
Variant type: single nucleotide variant.
Coding change: c.766G>A on transcript NM_177924.5 (MANE Select); coding-DNA position 766, G replaced by A.
Protein change: p.Val256Ile; replaces valine 256 with isoleucine.
Molecular consequence: missense variant. On other transcripts: non-coding transcript variant (1).
Genome position (GRCh38, 1-based): chr8:18,061,396, C>T on the plus strand (G>A on the coding strand, the complement: ASAH1 is on the minus strand). VCF-style: chr8-18061396-C-T. GRCh37 (hg19) VCF-style: chr8-17918905-C-T.
Other names: c.748G>A, p.Val250Ile (NM_001127505.3); c.571G>A, p.Val191Ile (NM_001363743.2); c.814G>A, p.Val272Ile (NM_004315.6); short protein forms V250I, V272I, V191I, V256I.
Identifiers: ClinVar variation 4761606 (VCV004761606.1).
Genomic context (GRCh38, chr8:18,061,396, plus strand): 5'-TTAAAATAAATATTTAATAGTAAAGCAACGAAACACTTTACCTTGTGCTATTTTCCAGAA[C>T]TGTTCTAGTGAGGAACCCTATCCACATGACATCTTTCTTTCCCAGAATCCATTCTAGAAT-3'
Protein context (NP_808592.2, residues 246-266): VMWIGFLTRT[Val256Ile]LENSTSYEEA

ClinVar aggregate classification (germline): Uncertain significance (1 of 4 stars; one submission).

gnomAD v4.1: 4 of 1,612,440 alleles (0.00025%); highest among the groups gnomAD compares: Non-Finnish European, 0.00034%; no homozygotes.

Submission:

Labcorp Genetics (formerly Invitae), Labcorp
Classification: Uncertain significance. Last evaluated: 2025-05-18. Review status: criteria provided, single submitter. Criteria: Invitae Variant Classification Sherloc (09022015). Collection method: clinical testing. Allele origin: germline.
Comment: This sequence change replaces valine, which is neutral and non-polar, with isoleucine, which is neutral and non-polar, at codon 256 of the ASAH1 protein (p.Val256Ile). This variant is not present in population databases (gnomAD no frequency). This variant has not been reported in the literature in individuals affected with ASAH1-related conditions. Invitae Evidence Modeling of protein sequence and biophysical properties (such as structural, functional, and spatial information, amino acid conservation, physicochemical variation, residue mobility, and thermodynamic stability) indicates that this missense variant is not expected to disrupt ASAH1 protein function with a negative predictive value of 80%. In summary, the available evidence is currently insufficient to determine the role of this variant in disease. Therefore, it has been classified as a Variant of Uncertain Significance.